The following is an entry in ClinVar:

NM_001349798.2(FBXW7):c.502-2443T>A

Gene: FBXW7 (F-box and WD repeat domain containing 7; minus strand). Cytogenetic location: 4q31.3.
Variant type: single nucleotide variant.
Coding change: c.502-2443T>A on transcript NM_001349798.2 (MANE Select); 2443 bases into the intron before coding-DNA position 502, T replaced by A.
Molecular consequence: intron variant. On other transcripts: missense variant (1).
Genome position (GRCh38, 1-based): chr4:152,352,567, A>T on the plus strand (T>A on the coding strand, the complement: FBXW7 is on the minus strand). VCF-style: chr4-152352567-A-T. GRCh37 (hg19) VCF-style: chr4-153273719-A-T.
Other names: c.164T>A, p.Leu55Gln (NM_018315.5); c.148-2443T>A (NM_001013415.2); c.502-2443T>A (NM_033632.3); short protein forms L55Q.
Identifiers: ClinVar variation 4880965 (VCV004880965.2).

ClinVar aggregate classification (germline): Uncertain significance (1 of 4 stars; one submission).

Submission:

Dasa
Classification: Uncertain significance. Last evaluated: 2026-02-05. Review status: criteria provided, single submitter. Criteria: DASA Assertion Criteria. Collection method: clinical testing. Allele origin: germline.
Comment: NM_018315.5(FBXW7):c.164T>A (p.Leu55Gln) is a missense variant that results in the substitution of leucine with glutamine. This variant is rare in population databases. The currently available literature and clinical evidence are not sufficient to establish a definitive association between this variant and the reported condition. Therefore, this variant is classified as a variant of uncertain significance.